The following is an entry in ClinVar:

ClinVar aggregate classification (germline): Uncertain significance (1 of 4 stars; one submission).

Conditions:
Hereditary cancer-predisposing syndrome. Also called: Neoplastic Syndromes, Hereditary; Tumor predisposition; Hereditary neoplastic syndrome; Hereditary Cancer Syndrome. Identifiers: Orphanet 140162, MedGen C0027672, MeSH D009386, MONDO:0015356.

Submission:

Ambry Genetics
Classification: Uncertain significance for Hereditary cancer-predisposing syndrome. Last evaluated: 2026-07-24. Review status: criteria provided, single submitter. Criteria: Ambry Variant Classification Scheme 2023. Collection method: clinical testing. Allele origin: germline.
Comment: The c.4022_4035dup14 variant, located in coding exon 10 of the MSH6 gene, results from a duplication of AAAGGTCAACTGTA at nucleotide positions 4022 through 4035, causing a translational frameshift with a predicted alternate stop codon (p.D1346Kfs*5). This variant occurs at the 3' terminus of the gene, is not expected to trigger nonsense-mediated mRNAdecay, and impacts the last 15 amino acids of the protein. The exact functional effect of this variant is unknown. Based on the available evidence, the clinical significance of this variant remains unclear.

NM_000179.3(MSH6):c.4022_4035dup (p.Asp1346delinsLysGlyGlnLeuTer)

Gene: MSH6 (mutS homolog 6; plus strand). Cytogenetic location: 2p16.3.
Variant type: Duplication.
Coding change: c.4022_4035dup on transcript NM_000179.3 (MANE Select); coding-DNA positions 4022 to 4035, 14 bases duplicated (AAAGGTCAACTGTA).
Protein change: p.Asp1346delinsLysGlyGlnLeuTer.
Molecular consequence: nonsense. On other transcripts: frameshift variant (1), non-coding transcript variant (5), 3 prime UTR variant (5).
Genome position (GRCh38, 1-based): chr2:47,806,799-47,806,812, AAAGGTCAACTGTA duplicated. VCF-style (leftmost placement, unchanged base first): chr2-47806798-G-GAAAGGTCAACTGTA. GRCh37 (hg19) VCF-style: chr2-48033937-G-GAAAGGTCAACTGTA.
Other names: c.4022_4035dupAAAGGTCAACTGTA (NM_000179.2); c.3632_3645dup, p.Asp1216delinsLysGlyGlnLeuTer (NM_001281492.2); c.3116_3129dup, p.Asp1044delinsLysGlyGlnLeuTer (NM_001281493.2, NM_001281494.2, NM_001406811.1 and 6 more transcripts); c.4118_4131dup, p.Asp1378delinsLysGlyGlnLeuTer (NM_001406795.1); c.4022_4035dup, p.Asp1346delinsLysGlyGlnLeuTer (NM_001406796.1, NM_001406809.1); c.3725_3738dup, p.Asp1247delinsLysGlyGlnLeuTer (NM_001406797.1, NM_001406805.1, NM_001406818.1 and 8 more transcripts); c.3848_3861dup, p.Asp1288delinsLysGlyGlnLeuTer (NM_001406798.1); c.3497_3510dup, p.Asp1171delinsLysGlyGlnLeuTer (NM_001406799.1, NM_001406806.1, NM_001406807.1); and 10 more.
Identifiers: ClinVar variation 5024916 (VCV005024916.1).